The following is an entry in ClinVar:

ClinVar aggregate classification (germline): Uncertain significance (1 of 4 stars; one submission).

Conditions:
Werner syndrome (WRN). Identifiers: Orphanet 902, MedGen C0043119, MONDO:0010196, OMIM 277700.

Allele frequency attached by ClinVar (database versions not stated): gnomAD exomes below 0.00001; ExAC 0.00001.
gnomAD v4.1: 6 of 1,612,850 alleles (0.00037%); highest among the groups gnomAD compares: South Asian, 0.0011%; no homozygotes.

Submission:

Labcorp Genetics (formerly Invitae), Labcorp
Classification: Uncertain significance for Werner syndrome. Last evaluated: 2024-08-13. Review status: criteria provided, single submitter. Criteria: Invitae Variant Classification Sherloc (09022015). Collection method: clinical testing. Allele origin: germline.
Comment: This sequence change replaces aspartic acid, which is acidic and polar, with asparagine, which is neutral and polar, at codon 659 of the WRN protein (p.Asp659Asn). This variant is present in population databases (rs769901163, gnomAD 0.0009%). This variant has not been reported in the literature in individuals affected with WRN-related conditions. ClinVar contains an entry for this variant (Variation ID: 2185748). An algorithm developed to predict the effect of missense changes on protein structure and function outputs the following: PolyPhen-2: "Benign". The asparagine amino acid residue is found in multiple mammalian species, which suggests that this missense change does not adversely affect protein function. In summary, the available evidence is currently insufficient to determine the role of this variant in disease. Therefore, it has been classified as a Variant of Uncertain Significance.

NM_000553.6(WRN):c.1975G>A (p.Asp659Asn)

Gene: WRN (WRN RecQ like helicase; plus strand). Cytogenetic location: 8p12.
Variant type: single nucleotide variant.
Coding change: c.1975G>A on transcript NM_000553.6 (MANE Select); coding-DNA position 1975, G replaced by A.
Protein change: p.Asp659Asn; replaces aspartic acid 659 with asparagine.
Molecular consequence: missense variant.
Genome position (GRCh38, 1-based): chr8:31,096,844, G>A. VCF-style: chr8-31096844-G-A. GRCh37 (hg19) VCF-style: chr8-30954360-G-A.
Other names: short protein forms D659N.
Identifiers: ClinVar variation 2185748 (VCV002185748.3), dbSNP rs769901163, ClinGen allele CA4704575.
Genomic context (GRCh38, chr8:31,096,844, plus strand): 5'-GTATACGTAACTCCAGAATACTGTTCAGGTAACATGGGCCTGCTCCAGCAACTTGAGGCT[G>A]ATATTGGTAAGTGATAAAGAAAGATCTCTGTAAATACTTACTGAGTTAATATTTAAAGTT-3'
Protein context (NP_000544.2, residues 649-669): NMGLLQQLEA[Asp659Asn]IGITLIAVDE